The following is an entry in ClinVar:

ClinVar aggregate classification (germline): Conflicting classifications of pathogenicity. Review status: criteria provided, conflicting classifications (1 of 4 stars). 2 submissions from 2 submitters: Uncertain significance (1); Likely benign (1). Last evaluated 2025-02-21.

Conditions:
Shprintzen-Goldberg syndrome (SGS). Also called: CRANIOSYNOSTOSIS WITH ARACHNODACTYLY AND ABDOMINAL HERNIAS; Marfanoid disorder with craniosynostosis type 1; Marfanoid craniosynostosis syndrome; Shprintzen-Goldberg marfanoid syndrome; SHPRINTZEN-GOLDBERG CRANIOSYNOSTOSIS SYNDROME. Identifiers: Orphanet 2462, MedGen C1321551, MONDO:0008426, OMIM 182212.

Allele frequency attached by ClinVar (database versions not stated): 1000 Genomes Project 30x 0.00016; gnomAD exomes 0.00002; 1000 Genomes Project 0.00020; gnomAD 0.00004 and 0.00003; TOPMed 0.00005; ExAC 0.00007.
gnomAD v4.1: 31 of 1,543,132 alleles (0.002%); highest among the groups gnomAD compares: South Asian, 0.0048%; no homozygotes.

Submissions (2):

Labcorp Genetics (formerly Invitae), Labcorp
Classification: Uncertain significance for Shprintzen-Goldberg syndrome. Last evaluated: 2025-02-21. Review status: criteria provided, single submitter. Criteria: Invitae Variant Classification Sherloc (09022015). Collection method: clinical testing. Allele origin: germline.
Comment: This sequence change falls in intron 5 of the SKI gene. It does not directly change the encoded amino acid sequence of the SKI protein. This variant is present in population databases (rs202132957, gnomAD 0.006%). This variant has not been reported in the literature in individuals affected with SKI-related conditions. ClinVar contains an entry for this variant (Variation ID: 515061). Algorithms developed to predict the effect of sequence changes on RNA splicing suggest that this variant may create or strengthen a splice site. In summary, the available evidence is currently insufficient to determine the role of this variant in disease. Therefore, it has been classified as a Variant of Uncertain Significance.

GeneDx
Classification: Likely benign. Last evaluated: 2018-02-01. Review status: criteria provided, single submitter. Criteria: GeneDx Variant Classification (06012015). Collection method: clinical testing. Allele origin: germline. Affected: yes.
Comment: This variant is considered likely benign or benign based on one or more of the following criteria: it is a conservative change, it occurs at a poorly conserved position in the protein, it is predicted to be benign by multiple in silico algorithms, and/or has population frequency not consistent with disease.

NM_003036.4(SKI):c.1767+11C>T

Gene: SKI (SKI proto-oncogene; plus strand). Cytogenetic location: 1p36.32.
Variant type: single nucleotide variant.
Coding change: c.1767+11C>T on transcript NM_003036.4 (MANE Select); 11 bases into the intron after coding-DNA position 1767, C replaced by T.
Molecular consequence: intron variant.
Genome position (GRCh38, 1-based): chr1:2,304,596, C>T. VCF-style: chr1-2304596-C-T. GRCh37 (hg19) VCF-style: chr1-2236035-C-T.
Identifiers: ClinVar variation 515061 (VCV000515061.6), dbSNP rs202132957, ClinGen allele CA536782.